The following is an entry in ClinVar:

ClinVar aggregate classification (germline): Pathogenic (1 of 4 stars; one submission).

Submission:

Labcorp Genetics (formerly Invitae), Labcorp
Classification: Pathogenic. Last evaluated: 2022-12-25. Review status: criteria provided, single submitter. Criteria: Invitae Variant Classification Sherloc (09022015). Collection method: clinical testing. Allele origin: germline.
Comment: A similar copy number variant has been observed in individual(s) with clinical features of X-linked hypophosphatemia (XLH) (PMID: 30298485; Invitae). This variant is a gross deletion of the genomic region encompassing exon(s) 13 of the PHEX gene. This variant would be expected to be in-frame, preserving the integrity of the reading frame. For these reasons, this variant has been classified as Pathogenic.

Literature cited by the submitters: PubMed 30298485.

NC_000023.10:g.(?_22186409)_(22186526_?)del

Gene: PHEX (phosphate regulating endopeptidase X-linked; plus strand). Cytogenetic location: Xp22.11.
Variant type: Deletion.
Identifiers: ClinVar variation 1497517 (VCV001497517.5).